The following is an entry in ClinVar:

ClinVar aggregate classification (germline): Benign (1 of 4 stars; one submission).

Allele frequency attached by ClinVar (database versions not stated): TOPMed 0.95041; 1000 Genomes Project 30x 0.95159; gnomAD 0.95348 and 0.95681; 1000 Genomes Project 0.95567.
gnomAD v4.1: 145,790 of 152,294 alleles (96%); highest among the groups gnomAD compares: East Asian, 100%; 70,111 homozygotes.

Submission:

GeneDx
Classification: Benign. Last evaluated: 2018-06-18. Review status: criteria provided, single submitter. Criteria: GeneDx Variant Classification (06012015). Collection method: clinical testing. Allele origin: germline. Affected: yes.
Comment: This variant is considered likely benign or benign based on one or more of the following criteria: it is a conservative change, it occurs at a poorly conserved position in the protein, it is predicted to be benign by multiple in silico algorithms, and/or has population frequency not consistent with disease.

NM_001035.3(RYR2):c.11092-254G>A

Gene: RYR2 (ryanodine receptor 2; plus strand). Cytogenetic location: 1q43.
Variant type: single nucleotide variant.
Coding change: c.11092-254G>A on transcript NM_001035.3 (MANE Select); 254 bases into the intron before coding-DNA position 11092, G replaced by A.
Molecular consequence: intron variant.
Genome position (GRCh38, 1-based): chr1:237,742,042, G>A. VCF-style: chr1-237742042-G-A. GRCh37 (hg19) VCF-style: chr1-237905342-G-A.
Identifiers: ClinVar variation 683793 (VCV000683793.1), dbSNP rs2797447, ClinGen allele CA39820980.
Genomic context (GRCh38, chr1:237,742,042, plus strand): 5'-AGGTTTGCAGTTTGGTTTGAATGAGGCAAATGTATGAATAAGTAGCGGGTATAGTATGAT[G>A]TGGACCTCATAGTTATCTCTGTTACCTATAAAATATGTAATTTAATATTTTATTTTTGTA-3'